The following is an entry in ClinVar:

ClinVar aggregate classification (germline): Conflicting classifications of pathogenicity. Review status: criteria provided, conflicting classifications (1 of 4 stars). 5 submissions from 5 submitters: Uncertain significance (1); Benign (1); Likely benign (2). 1 of the submissions does not count toward it. Last evaluated 2026-01-28.

Conditions:
FLNB-related disorder. Also called: FLNB-related condition; FLNB-related disorders. Identifiers: MedGen CN381095.
Connective tissue disorder. Also called: Connective tissue disease. Identifiers: MedGen C0009782, MONDO:0003900.

Allele frequency attached by ClinVar (database versions not stated): TOPMed 0.00280; 1000 Genomes Project 30x 0.00281; ESP Exome Variant Server 0.00284; 1000 Genomes Project 0.00300.
gnomAD v4.1: 675 of 1,614,156 alleles (0.042%); highest among the groups gnomAD compares: African/African-American, 0.82%; 4 homozygotes.

Submissions (5):

Labcorp Genetics (formerly Invitae), Labcorp
Classification: Benign. Last evaluated: 2026-01-28. Review status: criteria provided, single submitter. Criteria: Invitae Variant Classification Sherloc (09022015). Collection method: clinical testing. Allele origin: germline.

GeneDx
Classification: Likely benign. Last evaluated: 2020-04-01. Review status: criteria provided, single submitter. Criteria: GeneDx Variant Classification Process June 2021. Collection method: clinical testing. Allele origin: germline. Affected: yes.

Genome Diagnostics Laboratory, The Hospital for Sick Children
Classification: Likely benign for Connective tissue disorder. Last evaluated: 2019-08-01. Review status: criteria provided, single submitter. Criteria: ACMG Guidelines, 2015. Collection method: clinical testing. Allele origin: germline.

ARUP Laboratories, Molecular Genetics and Genomics, ARUP Laboratories
Classification: Uncertain significance. Last evaluated: 2016-10-24. Review status: criteria provided, single submitter. Criteria: ARUP Molecular Germline Variant Investigation Process. Collection method: clinical testing. Allele origin: germline.

PreventionGenetics, part of Exact Sciences
Classification: Benign for FLNB-related condition. Last evaluated: 2020-03-12. Review status: no assertion criteria provided. Collection method: clinical testing. Allele origin: germline. Not counted in ClinVar's aggregate classification.
Comment: This variant is classified as benign based on ACMG/AMP sequence variant interpretation guidelines (Richards et al. 2015 PMID: 25741868, with internal and published modifications).

NM_001457.4(FLNB):c.107G>A (p.Arg36His)

Gene: FLNB (filamin B; plus strand). Cytogenetic location: 3p14.3.
Variant type: single nucleotide variant.
Coding change: c.107G>A on transcript NM_001457.4 (MANE Select); coding-DNA position 107, G replaced by A.
Protein change: p.Arg36His; replaces arginine 36 with histidine.
Molecular consequence: missense variant.
Genome position (GRCh38, 1-based): chr3:58,008,671, G>A. VCF-style: chr3-58008671-G-A. GRCh37 (hg19) VCF-style: chr3-57994398-G-A.
Other names: c.107G>A, p.Arg36His (NM_001164319.2, NM_001164318.2, NM_001164317.2); short protein forms R36H.
Identifiers: ClinVar variation 439738 (VCV000439738.24), dbSNP rs142568031, ClinGen allele CA2467454.